The following is an entry in ClinVar:

NM_001145809.2(MYH14):c.5963G>T (p.Arg1988Leu)

Gene: MYH14 (myosin heavy chain 14; plus strand). Cytogenetic location: 19q13.33.
Variant type: single nucleotide variant.
Coding change: c.5963G>T on transcript NM_001145809.2 (MANE Select); coding-DNA position 5963, G replaced by T.
Protein change: p.Arg1988Leu; replaces arginine 1988 with leucine.
Molecular consequence: missense variant.
Genome position (GRCh38, 1-based): chr19:50,309,642, G>T. VCF-style: chr19-50309642-G-T. GRCh37 (hg19) VCF-style: chr19-50812899-G-T.
Other names: c.5864G>T, p.Arg1955Leu (NM_001077186.2); c.5840G>T, p.Arg1947Leu (NM_024729.4); short protein forms R1955L, R1988L, R1947L.
Identifiers: ClinVar variation 2908844 (VCV002908844.3), dbSNP rs376315069, ClinGen allele CA406965874.
Genomic context (GRCh38, chr19:50,309,642, plus strand): 5'-TCTCCTCCCCTCCCCTCCCCTCATTTCATCTCTGTATCCTGGTCTCTCCTCCCCACAGAC[G>T]CGGCCCCCTCACCTTCACCACCCGCACGGTGCGCCAGGTCTTCCGACTAGAGGAGGGCGT-3'
Protein context (NP_001139281.1, residues 1978-1998): EVTTLRNRLR[Arg1988Leu]GPLTFTTRTV

ClinVar aggregate classification (germline): Uncertain significance (1 of 4 stars; one submission).

Submission:

Labcorp Genetics (formerly Invitae), Labcorp
Classification: Uncertain significance. Last evaluated: 2023-02-27. Review status: criteria provided, single submitter. Criteria: Invitae Variant Classification Sherloc (09022015). Collection method: clinical testing. Allele origin: germline.
Comment: This sequence change replaces arginine, which is basic and polar, with leucine, which is neutral and non-polar, at codon 1947 of the MYH14 protein (p.Arg1947Leu). This variant is not present in population databases (gnomAD no frequency). This variant has not been reported in the literature in individuals affected with MYH14-related conditions. An algorithm developed to predict the effect of missense changes on protein structure and function (PolyPhen-2) suggests that this variant is likely to be tolerated. In summary, the available evidence is currently insufficient to determine the role of this variant in disease. Therefore, it has been classified as a Variant of Uncertain Significance.